The following is an entry in ClinVar:

NM_001099403.2(PRDM8):c.1530G>T (p.Gln510His)

Genes: PRDM8 (PR/SET domain 8; plus strand), LOC129992745 (ATAC-STARR-seq lymphoblastoid silent region 15522; plus strand). Cytogenetic location: 4q21.21.
Variant type: single nucleotide variant.
Coding change: c.1530G>T on transcript NM_001099403.2 (MANE Select); coding-DNA position 1530, G replaced by T.
Protein change: p.Gln510His; replaces glutamine 510 with histidine.
Molecular consequence: missense variant.
Genome position (GRCh38, 1-based): chr4:80,202,992, G>T. VCF-style: chr4-80202992-G-T. GRCh37 (hg19) VCF-style: chr4-81124146-G-T.
Other names: c.1530G>T, p.Gln510His (NM_020226.4); short protein forms Q510H.
Identifiers: ClinVar variation 475671 (VCV000475671.8), dbSNP rs750341856, ClinGen allele CA2982395.

ClinVar aggregate classification (germline): Uncertain significance (1 of 4 stars; one submission).

Conditions:
Early-onset Lafora body disease. Also called: Epilepsy, progressive myoclonic, 10. Identifiers: Orphanet 324290, MedGen C4225258, MONDO:0014717, OMIM 616640.

Allele frequency attached by ClinVar (database versions not stated): TOPMed 0.00002; gnomAD exomes 0.00003 and 0.00011; ExAC 0.00008.
gnomAD v4.1: 18 of 1,512,564 alleles (0.0012%); highest among the groups gnomAD compares: Admixed American, 0.035%; no homozygotes.

Submission:

Labcorp Genetics (formerly Invitae), Labcorp
Classification: Uncertain significance for Early-onset Lafora body disease. Last evaluated: 2022-08-09. Review status: criteria provided, single submitter. Criteria: Invitae Variant Classification Sherloc (09022015). Collection method: clinical testing. Allele origin: germline.
Comment: This sequence change replaces glutamine, which is neutral and polar, with histidine, which is basic and polar, at codon 510 of the PRDM8 protein (p.Gln510His). This variant is present in population databases (rs750341856, gnomAD 0.05%). This variant has not been reported in the literature in individuals affected with PRDM8-related conditions. ClinVar contains an entry for this variant (Variation ID: 475671). Algorithms developed to predict the effect of missense changes on protein structure and function (SIFT, PolyPhen-2, Align-GVGD) all suggest that this variant is likely to be tolerated. In summary, the available evidence is currently insufficient to determine the role of this variant in disease. Therefore, it has been classified as a Variant of Uncertain Significance.